The following is an entry in ClinVar:

NM_153240.5(NPHP3):c.1629-17C>A

Genes: NPHP3 (nephrocystin 3; minus strand), NPHP3-ACAD11 (NPHP3-ACAD11 readthrough (NMD candidate); minus strand). Cytogenetic location: 3q22.1.
Variant type: single nucleotide variant.
Coding change: c.1629-17C>A on transcript NM_153240.5 (MANE Select); 17 bases into the intron before coding-DNA position 1629, C replaced by A.
Molecular consequence: intron variant.
Genome position (GRCh38, 1-based): chr3:132,700,465, G>T on the plus strand (C>A on the coding strand, the complement: NPHP3 is on the minus strand). VCF-style: chr3-132700465-G-T. GRCh37 (hg19) VCF-style: chr3-132419309-G-T.
Identifiers: ClinVar variation 390374 (VCV000390374.11), dbSNP rs145056102, ClinGen allele CA2622242.

ClinVar aggregate classification (germline): Benign/Likely benign. Review status: criteria provided, multiple submitters, no conflicts (2 of 4 stars). 3 submissions from 3 submitters: Benign (1); Likely benign (2). Last evaluated 2026-01-14.

Conditions:
Nephronophthisis. Also called: Juvenile Nephronophthisis. Identifiers: Orphanet 655, MedGen C0687120, MONDO:0019005, HP:0000090.

Allele frequency attached by ClinVar (database versions not stated): gnomAD 0.00024 and 0.00034; TOPMed 0.00036; gnomAD exomes 0.00044 and 0.00070; ExAC 0.00090; 1000 Genomes Project 30x 0.00156; 1000 Genomes Project 0.00200.
gnomAD v4.1: 636 of 1,486,820 alleles (0.043%); highest among the groups gnomAD compares: East Asian, 0.75%; 2 homozygotes.

Submissions (3):

Labcorp Genetics (formerly Invitae), Labcorp
Classification: Benign for Nephronophthisis. Last evaluated: 2026-01-14. Review status: criteria provided, single submitter. Criteria: Invitae Variant Classification Sherloc (09022015). Collection method: clinical testing. Allele origin: germline.

Blueprint Genetics
Classification: Likely benign. Last evaluated: 2024-11-08. Review status: criteria provided, single submitter. Criteria: ACMG Guidelines, 2015. Collection method: clinical testing. Allele origin: germline.

GeneDx
Classification: Likely benign. Last evaluated: 2016-11-02. Review status: criteria provided, single submitter. Criteria: GeneDx Variant Classification (06012015). Collection method: clinical testing. Allele origin: germline. Affected: yes.
Comment: This variant is considered likely benign or benign based on one or more of the following criteria: it is a conservative change, it occurs at a poorly conserved position in the protein, it is predicted to be benign by multiple in silico algorithms, and/or has population frequency not consistent with disease.